The following is an entry in ClinVar:

ClinVar aggregate classification (germline): Uncertain significance. Review status: criteria provided, multiple submitters, no conflicts (2 of 4 stars). 6 submissions from 6 submitters: Uncertain significance (6). Last evaluated 2026-06-09.

Conditions:
LRSAM1-related disorder. Also called: LRSAM1-related condition.
Inborn genetic diseases. Identifiers: MedGen C0950123, MeSH D030342.
Charcot-Marie-Tooth disease. Also called: Charcot-Marie-Tooth Hereditary Neuropathy; Charcot-Marie-Tooth Neuropathy. Identifiers: Orphanet 166, MedGen C0007959, MONDO:0015626.
Charcot-Marie-Tooth disease axonal type 2P. Also called: Charcot-Marie-Tooth Neuropathy Type 2G; CHARCOT-MARIE-TOOTH DISEASE, AXONAL, TYPE 2G; CMT 2G; CHARCOT-MARIE-TOOTH NEUROPATHY, TYPE 2P. Identifiers: Orphanet 300319, Orphanet 99941, MedGen C3280797, MONDO:0013753, OMIM 614436.

Allele frequency attached by ClinVar (database versions not stated): gnomAD exomes 0.00002 and 0.00003; ExAC 0.00003; gnomAD 0.00004; TOPMed 0.00004.
gnomAD v4.1: 56 of 1,613,066 alleles (0.0035%); highest among the groups gnomAD compares: Non-Finnish European, 0.0043%; no homozygotes.

Submissions (6):

PreventionGenetics, part of Exact Sciences
Classification: Uncertain significance for LRSAM1-related condition. Last evaluated: 2026-06-09. Review status: criteria provided, single submitter. Criteria: ACMG Guidelines, 2015. Collection method: clinical testing. Allele origin: germline.
Comment: The LRSAM1 c.1837G>A variant is predicted to result in the amino acid substitution p.Val613Ile. This variant has been reported as a variant of uncertain significance in an individual from a large cohort study of Charcot-Marie-Tooth disease; however, additional evidence was not provided (Suppl. Table 2, Volodarsky et al. 2021. PubMed ID: 32376792). This variant is reported in 0.0080% of alleles in individuals of African descent in gnomAD. At this time, the clinical significance of this variant is uncertain due to the absence of conclusive functional and genetic evidence.

Ambry Genetics
Classification: Uncertain significance for Inborn genetic diseases. Last evaluated: 2025-08-09. Review status: criteria provided, single submitter. Criteria: Ambry Variant Classification Scheme 2023. Collection method: clinical testing. Allele origin: germline.

Labcorp Genetics (formerly Invitae), Labcorp
Classification: Uncertain significance for Charcot-Marie-Tooth disease axonal type 2P. Last evaluated: 2025-08-01. Review status: criteria provided, single submitter. Criteria: Invitae Variant Classification Sherloc (09022015). Collection method: clinical testing. Allele origin: germline.
Comment: This sequence change replaces valine, which is neutral and non-polar, with isoleucine, which is neutral and non-polar, at codon 613 of the LRSAM1 protein (p.Val613Ile). This variant is present in population databases (rs746831085, gnomAD 0.008%). This missense change has been observed in individual(s) with Charcot-Marie-Tooth disease (PMID: 32376792). ClinVar contains an entry for this variant (Variation ID: 571041). Invitae Evidence Modeling of protein sequence and biophysical properties (such as structural, functional, and spatial information, amino acid conservation, physicochemical variation, residue mobility, and thermodynamic stability) indicates that this missense variant is not expected to disrupt LRSAM1 protein function with a negative predictive value of 80%. In summary, the available evidence is currently insufficient to determine the role of this variant in disease. Therefore, it has been classified as a Variant of Uncertain Significance.

ARUP Laboratories, Molecular Genetics and Genomics, ARUP Laboratories
Classification: Uncertain significance for Charcot-Marie-Tooth disease axonal type 2P. Last evaluated: 2024-12-19. Review status: criteria provided, single submitter. Criteria: ARUP Molecular Germline Variant Investigation Process 2024. Collection method: clinical testing. Allele origin: germline.
Comment: The LRSAM1 c.1837G>A; p.Val613Ile variant (rs746831085, ClinVar Variation ID: 571041) is reported in the literature in one individual suspected of Charcot-Marie-Tooth disease (Volodarsky 2021). This variant is found in the general population with an overall allele frequency of 0.002% (7/282,154 alleles) in the Genome Aggregation Database (v2.1.1). Computational analyses predict that this variant is neutral (REVEL: 0.076). Due to limited information, the clinical significance of this variant is uncertain at this time. References: Volodarsky M et al. Comprehensive genetic sequence and copy number analysis for Charcot-Marie-Tooth disease in a Canadian cohort of 2517 patients. J Med Genet. 2021 Apr;58(4):284-288. ValPMID: 32376792.

GeneDx
Classification: Uncertain significance. Last evaluated: 2024-02-26. Review status: criteria provided, single submitter. Criteria: GeneDx Variant Classification Process June 2021. Collection method: clinical testing. Allele origin: germline. Affected: yes.
Comment: Reported previously as a variant of uncertain significance in a patient suspected CMT; however, no further clinical or segregation information was provided (PMID: 32376792); In silico analysis supports that this missense variant does not alter protein structure/function; This variant is associated with the following publications: (PMID: 22781092, 32376792)

Molecular Genetics Laboratory, London Health Sciences Centre
Classification: Uncertain significance for Charcot-Marie-Tooth disease. Review status: criteria provided, single submitter. Criteria: ACMG Guidelines, 2015. Collection method: clinical testing. Allele origin: germline. Affected: yes.

Literature cited by the submitters: PubMed 32376792 (cited by Labcorp Genetics (formerly Invitae), Labcorp).

NM_001005373.4(LRSAM1):c.1837G>A (p.Val613Ile)

Gene: LRSAM1 (leucine rich repeat and sterile alpha motif containing 1; plus strand). Cytogenetic location: 9q33.3.
Variant type: single nucleotide variant.
Coding change: c.1837G>A on transcript NM_001005373.4 (MANE Select); coding-DNA position 1837, G replaced by A.
Protein change: p.Val613Ile; replaces valine 613 with isoleucine.
Molecular consequence: missense variant. On other transcripts: non-coding transcript variant (2).
Genome position (GRCh38, 1-based): chr9:127,497,259, G>A. VCF-style: chr9-127497259-G-A. GRCh37 (hg19) VCF-style: chr9-130259538-G-A.
Other names: c.1837G>A (NM_138361.4); c.1837G>A, p.Val613Ile (NM_001005374.4, NM_001384142.1, NM_138361.5); c.1756G>A, p.Val586Ile (NM_001190723.3); c.1738G>A, p.Val580Ile (NM_001384143.1); c.1048G>A, p.Val350Ile (NM_001384144.1); short protein forms V613I, V586I, V350I, V580I.
Identifiers: ClinVar variation 571041 (VCV000571041.15), dbSNP rs746831085, ClinGen allele CA5247162.